The following is an entry in ClinVar:

NM_000193.4(SHH):c.1270C>G (p.Pro424Ala)

Gene: SHH (sonic hedgehog signaling molecule; minus strand). Cytogenetic location: 7q36.3.
Variant type: single nucleotide variant.
Coding change: c.1270C>G on transcript NM_000193.4 (MANE Select); coding-DNA position 1270, C replaced by G.
Protein change: p.Pro424Ala; replaces proline 424 with alanine.
Molecular consequence: missense variant. On other transcripts: intron variant (1).
Genome position (GRCh38, 1-based): chr7:155,803,019, G>C on the plus strand (C>G on the coding strand, the complement: SHH is on the minus strand). VCF-style: chr7-155803019-G-C. GRCh37 (hg19) VCF-style: chr7-155595713-G-C.
Other names: c.1270C>G; c.302-2774C>G (NM_001310462.2); short protein forms P424A.
Identifiers: ClinVar variation 8888 (VCV000008888.2), dbSNP rs104894048, ClinGen allele CA340840.
Genomic context (GRCh38, chr7:155,803,019, plus strand): 5'-TGCCTATTTGGTAGAGCAGCTGCGAGTACCAGTGGATGCCCGCGGTGGCCCCCGCACCCG[G>C]AGCGTCGGCAGCACCTGGAGCGGTTAGGGCTACTCTGCCGCCGCCGCCCCCGCGGTCCCC-3'
Protein context (NP_000184.1, residues 414-434): ALTAPGAADA[Pro424Ala]GAGATAGIHW

ClinVar aggregate classification (germline): Pathogenic. Review status: no assertion criteria provided (0 of 4 stars). 2 submissions from 2 submitters: Pathogenic (2). Last evaluated 2013-08-29.

Conditions:
Holoprosencephaly 3 (HPE3). Identifiers: Orphanet 2162, MedGen C1840529, MONDO:0007733, OMIM 142945.

Submissions (2):

GeneReviews
Classification: Pathogenic for Holoprosencephaly. Last evaluated: 2013-08-29. Review status: no assertion criteria provided. Collection method: curation. Allele origin: unknown.
ClinVar note: Converted during submission from pathologic to Pathogenic.

OMIM
Classification: Pathogenic for HOLOPROSENCEPHALY 3. Last evaluated: 1999-12-01. Review status: no assertion criteria provided. Collection method: literature only. Allele origin: germline.

Literature cited by the submitters: PubMed 10556296 (cited by OMIM).